The following is an entry in ClinVar:

ClinVar aggregate classification (germline): Uncertain significance. Review status: criteria provided, multiple submitters, no conflicts (2 of 4 stars). 2 submissions from 2 submitters: Uncertain significance (2). Last evaluated 2024-03-01.

Submissions (2):

CeGaT Center for Human Genetics Tuebingen
Classification: Uncertain significance. Last evaluated: 2024-03-01. Review status: criteria provided, single submitter. Criteria: CeGaT Center For Human Genetics Tuebingen Variant Classification Criteria Version 2. Collection method: clinical testing. Allele origin: germline. Affected: yes. Observed: 1 variant allele.
Comment: PCDH11X: PM2, PP2

Ambry Genetics
Classification: Uncertain significance. Last evaluated: 2023-02-27. Review status: criteria provided, single submitter. Criteria: Ambry Variant Classification Scheme 2023. Collection method: clinical testing. Allele origin: germline.

NM_032968.5(PCDH11X):c.653A>T (p.Lys218Ile)

Gene: PCDH11X (protocadherin 11 X-linked; plus strand). Cytogenetic location: Xq21.31.
Variant type: single nucleotide variant.
Coding change: c.653A>T on transcript NM_032968.5 (MANE Select); coding-DNA position 653, A replaced by T.
Protein change: p.Lys218Ile; replaces lysine 218 with isoleucine.
Molecular consequence: missense variant.
Genome position (GRCh38, 1-based): chrX:91,876,893, A>T. VCF-style: chrX-91876893-A-T. GRCh37 (hg19) VCF-style: chrX-91131892-A-T.
Other names: c.653A>T, p.Lys218Ile (NM_001168360.1, NM_001168361.1, NM_001168362.1 and 2 more transcripts); short protein forms K218I.
Identifiers: ClinVar variation 2489333 (VCV002489333.23), dbSNP rs766698792, ClinGen allele CA413976168.
Genomic context (GRCh38, chrX:91,876,893, plus strand): 5'-TGCCACAACTGATTGTTCAAAAGGAGTTAGATAGGGAAGAGAAGGATACCTACGTGATGA[A>T]AGTAAAGGTTGAAGATGGTGGCTTTCCTCAAAGATCCAGTACTGCTATTTTGCAAGTGAG-3'
Protein context (NP_116750.1, residues 208-228): DREEKDTYVM[Lys218Ile]VKVEDGGFPQ